The following is an entry in ClinVar:

ClinVar aggregate classification (germline): Uncertain significance (1 of 4 stars; one submission).

Conditions:
CUL4B-related disorder. Also called: CUL4B-related condition.

Submission:

PreventionGenetics, part of Exact Sciences
Classification: Uncertain significance for CUL4B-related condition. Last evaluated: 2025-04-28. Review status: criteria provided, single submitter. Criteria: ACMG Guidelines, 2015. Collection method: clinical testing. Allele origin: germline.
Comment: The CUL4B c.1475A>T variant is predicted to result in the amino acid substitution p.Gln492Leu. To our knowledge, this variant has not been reported in the literature or in a large population database (gnomAD), indicating this variant is rare. At this time, the clinical significance of this variant is uncertain due to the absence of conclusive functional and genetic evidence.

NM_001079872.2(CUL4B):c.1421A>T (p.Gln474Leu)

Gene: CUL4B (cullin 4B; minus strand). Cytogenetic location: Xq24.
Variant type: single nucleotide variant.
Coding change: c.1421A>T on transcript NM_001079872.2 (MANE Select); coding-DNA position 1421, A replaced by T.
Protein change: p.Gln474Leu; replaces glutamine 474 with leucine.
Molecular consequence: missense variant.
Genome position (GRCh38, 1-based): chrX:120,541,624, T>A on the plus strand (A>T on the coding strand, the complement: CUL4B is on the minus strand). VCF-style: chrX-120541624-T-A. GRCh37 (hg19) VCF-style: chrX-119675479-T-A.
Other names: c.1436A>T, p.Gln479Leu (NM_001330624.2); c.887A>T, p.Gln296Leu (NM_001369145.1); c.1475A>T, p.Gln492Leu (NM_003588.4); short protein forms Q474L, Q296L, Q479L, Q492L.
Identifiers: ClinVar variation 5001540 (VCV005001540.1).
Genomic context (GRCh38, chrX:120,541,624, plus strand): 5'-GCCATAAGAGAGAAAAATCACAGGTAAATTGTTAATACCTTGATATATTCGATCCACTGC[T>A]GCAAAAGAACCTGAACTCCACCTCGAACTCTACTGAAGAGCTGATACAGAAGAGACAAAT-3'
Protein context (NP_001073341.1, residues 464-484): RVRGGVQVLL[Gln474Leu]QWIEYIKAFG